The following is an entry in ClinVar:

NM_003403.5(YY1):c.176_181del (p.His59_Gly61delinsArg)

Gene: YY1 (YY1 transcription factor; plus strand). Cytogenetic location: 14q32.2.
Variant type: Deletion.
Coding change: c.176_181del on transcript NM_003403.5 (MANE Select); coding-DNA positions 176 to 181, 6 bases deleted (ACGGCG; older notation c.176_181delACGGCG).
Protein change: p.His59_Gly61delinsArg.
Molecular consequence: inframe indel.
Genome position (GRCh38, 1-based): chr14:100,239,420-100,239,425, ACGGCG deleted. VCF-style (leftmost placement, unchanged base first): chr14-100239419-CACGGCG-C. GRCh37 (hg19) VCF-style: chr14-100705756-CACGGCG-C.
Identifiers: ClinVar variation 1879285 (VCV001879285.29), dbSNP rs760981182, ClinGen allele CA7343944.

ClinVar aggregate classification (germline): Likely benign (1 of 4 stars; one submission).

Allele frequency attached by ClinVar (database versions not stated): gnomAD 0.00002; ExAC 0.00003; gnomAD exomes 0.00003; TOPMed 0.00003.

Submission:

CeGaT Center for Human Genetics Tuebingen
Classification: Likely benign. Last evaluated: 2022-10-01. Review status: criteria provided, single submitter. Criteria: CeGaT Center For Human Genetics Tuebingen Variant Classification Criteria Version 2. Collection method: clinical testing. Allele origin: germline. Affected: yes. Observed: 1 variant allele.
Comment: YY1: BS2